The following is an entry in ClinVar:

ClinVar aggregate classification (germline): Uncertain significance (1 of 4 stars; one submission).

Conditions:
RFT1-congenital disorder of glycosylation (CDG1N). Also called: Congenital disorder of glycosylation type In; RFT1-CDG; CDG In. Identifiers: Orphanet 244310, MedGen C2677590, MONDO:0012783, OMIM 612015.

Allele frequency attached by ClinVar (database versions not stated): gnomAD 0.00001 and 0.00002; TOPMed 0.00001; gnomAD exomes 0.00002 and 0.00004; ExAC 0.00006; ESP Exome Variant Server 0.00008; 1000 Genomes Project 30x 0.00016; 1000 Genomes Project 0.00020.
gnomAD v4.1: 26 of 1,599,568 alleles (0.0016%); highest among the groups gnomAD compares: Admixed American, 0.011%; no homozygotes.

Submission:

Labcorp Genetics (formerly Invitae), Labcorp
Classification: Uncertain significance for RFT1-congenital disorder of glycosylation. Last evaluated: 2022-08-16. Review status: criteria provided, single submitter. Criteria: Invitae Variant Classification Sherloc (09022015). Collection method: clinical testing. Allele origin: germline.
Comment: This sequence change replaces serine, which is neutral and polar, with leucine, which is neutral and non-polar, at codon 485 of the RFT1 protein (p.Ser485Leu). The frequency data for this variant in the population databases is considered unreliable, as metrics indicate poor data quality at this position in the gnomAD database. This variant has not been reported in the literature in individuals affected with RFT1-related conditions. ClinVar contains an entry for this variant (Variation ID: 1414998). Algorithms developed to predict the effect of missense changes on protein structure and function are either unavailable or do not agree on the potential impact of this missense change (SIFT: "Tolerated"; PolyPhen-2: "Probably Damaging"; Align-GVGD: "Class C0"). In summary, the available evidence is currently insufficient to determine the role of this variant in disease. Therefore, it has been classified as a Variant of Uncertain Significance.

NM_052859.4(RFT1):c.1454C>T (p.Ser485Leu)

Gene: RFT1 (RFT1 glycolipid translocator homolog; minus strand). Cytogenetic location: 3p21.1.
Variant type: single nucleotide variant.
Coding change: c.1454C>T on transcript NM_052859.4 (MANE Select); coding-DNA position 1454, C replaced by T.
Protein change: p.Ser485Leu; replaces serine 485 with leucine.
Molecular consequence: missense variant.
Genome position (GRCh38, 1-based): chr3:53,092,373, G>A on the plus strand (C>T on the coding strand, the complement: RFT1 is on the minus strand). VCF-style: chr3-53092373-G-A. GRCh37 (hg19) VCF-style: chr3-53126389-G-A.
Other names: short protein forms S485L.
Identifiers: ClinVar variation 1414998 (VCV001414998.3), dbSNP rs377516481, ClinGen allele CA2451152.
Genomic context (GRCh38, chr3:53,092,373, plus strand): 5'-GAGAGACAGCGGGGCAGCTGCAGAAGCATGTGGCATGATGGCTCAGGGAGTCTCACCTCC[G>A]AAACAGCAGTAACCCCACCACTGAGGGCAAATGTCCCGAGCAGGACTGGCGATAGGTGCA-3'
Protein context (NP_443091.1, residues 475-495): FALSGGVTAV[Ser485Leu]EVFLCCEQGW